The following is an entry in ClinVar:

ClinVar aggregate classification (germline): Uncertain significance (1 of 4 stars; one submission).

Conditions:
Combined immunodeficiency due to LRBA deficiency. Also called: Common variable immunodeficiency 8, with autoimmunity. Identifiers: Orphanet 445018, MedGen C3553512, MONDO:0013863, OMIM 614700.

Submission:

Labcorp Genetics (formerly Invitae), Labcorp
Classification: Uncertain significance for Combined immunodeficiency due to LRBA deficiency. Last evaluated: 2022-03-07. Review status: criteria provided, single submitter. Criteria: Invitae Variant Classification Sherloc (09022015). Collection method: clinical testing. Allele origin: germline.
Comment: In summary, the available evidence is currently insufficient to determine the role of this variant in disease. Therefore, it has been classified as a Variant of Uncertain Significance. Algorithms developed to predict the effect of missense changes on protein structure and function are either unavailable or do not agree on the potential impact of this missense change (SIFT: "Tolerated"; PolyPhen-2: "Possibly Damaging"; Align-GVGD: "Class C0"). This variant has not been reported in the literature in individuals affected with LRBA-related conditions. This variant is not present in population databases (gnomAD no frequency). This sequence change replaces asparagine, which is neutral and polar, with aspartic acid, which is acidic and polar, at codon 229 of the LRBA protein (p.Asn229Asp).

NM_001364905.1(LRBA):c.685A>G (p.Asn229Asp)

Gene: LRBA (LPS responsive beige-like anchor protein; minus strand). Cytogenetic location: 4q31.3.
Variant type: single nucleotide variant.
Coding change: c.685A>G on transcript NM_001364905.1 (MANE Select); coding-DNA position 685, A replaced by G.
Protein change: p.Asn229Asp; replaces asparagine 229 with aspartic acid.
Molecular consequence: missense variant.
Genome position (GRCh38, 1-based): chr4:150,916,699, T>C on the plus strand (A>G on the coding strand, the complement: LRBA is on the minus strand). VCF-style: chr4-150916699-T-C. GRCh37 (hg19) VCF-style: chr4-151837851-T-C.
Other names: c.685A>G, p.Asn229Asp (NM_001199282.3, NM_001367550.1, NM_006726.5); short protein forms N229D.
Identifiers: ClinVar variation 2056376 (VCV002056376.4), dbSNP rs2546666202, ClinGen allele CA358436654.